The following is an entry in ClinVar:

ClinVar aggregate classification (germline): Pathogenic (1 of 4 stars; one submission).

Submission:

Labcorp Genetics (formerly Invitae), Labcorp
Classification: Pathogenic. Last evaluated: 2020-12-05. Review status: criteria provided, single submitter. Criteria: Invitae Variant Classification Sherloc (09022015). Collection method: clinical testing. Allele origin: germline.
Comment: For these reasons, this variant has been classified as Pathogenic. This variant disrupts the C-terminus of the PHEX protein. Other variant(s) that disrupt this region (p.Arg747*) have been determined to be pathogenic (PMID: 9199930, 9768674). This suggests that variants that disrupt this region of the protein are likely to be causative of disease. This variant has been observed in individual(s) with hypophosphatemia (Invitae). This variant is not present in population databases (ExAC no frequency). This sequence change creates a premature translational stop signal (p.Ala720*) in the PHEX gene. While this is not anticipated to result in nonsense mediated decay, it is expected to disrupt the last 30 amino acid(s) of the PHEX protein.

Literature cited by the submitters: PubMed 9199930; PubMed 9768674.

NM_000444.6(PHEX):c.2158_2165del (p.Gly719_Ala720insTer)

Genes: PHEX (phosphate regulating endopeptidase X-linked; plus strand), PTCHD1-AS (PTCHD1 and PHEX antisense RNA; minus strand). Cytogenetic location: Xp22.11.
Variant type: Deletion.
Coding change: c.2158_2165del on transcript NM_000444.6 (MANE Select); coding-DNA positions 2158 to 2165, 8 bases deleted (GCAATTAG; older notation c.2158_2165delGCAATTAG).
Protein change: p.Gly719_Ala720insTer.
Molecular consequence: nonsense. On other transcripts: frameshift variant (1).
Genome position (GRCh38, 1-based): chrX:22,247,861-22,247,868, GCAATTAG deleted. VCF-style (leftmost placement, unchanged base first): chrX-22247860-TGCAATTAG-T. GRCh37 (hg19) VCF-style: chrX-22265977-TGCAATTAG-T.
Other names: c.2081_2088del, p.Cys694fs (NM_001282754.2); short protein forms C694fs.
Identifiers: ClinVar variation 1394964 (VCV001394964.8), dbSNP rs2147217224, ClinGen allele CA2573158554.